The following is an entry in ClinVar:

NM_004082.5(DCTN1):c.3175C>G (p.Leu1059Val)

Gene: DCTN1 (dynactin subunit 1; minus strand). Cytogenetic location: 2p13.1.
Variant type: single nucleotide variant.
Coding change: c.3175C>G on transcript NM_004082.5 (MANE Select); coding-DNA position 3175, C replaced by G.
Protein change: p.Leu1059Val; replaces leucine 1059 with valine.
Molecular consequence: missense variant. On other transcripts: non-coding transcript variant (1).
Genome position (GRCh38, 1-based): chr2:74,365,096, G>C on the plus strand (C>G on the coding strand, the complement: DCTN1 is on the minus strand). VCF-style: chr2-74365096-G-C. GRCh37 (hg19) VCF-style: chr2-74592223-G-C.
Other names: c.3115C>G, p.Leu1039Val (NM_001135040.3); c.2773C>G, p.Leu925Val (NM_001135041.3, NM_023019.4); c.3064C>G, p.Leu1022Val (NM_001190836.2); c.3154C>G, p.Leu1052Val (NM_001190837.2); c.3124C>G, p.Leu1042Val (NM_001378991.1); c.3106C>G, p.Leu1036Val (NM_001378992.1); short protein forms L1022V, L1036V, L1039V, L1042V, L1052V, L1059V, L925V.
Identifiers: ClinVar variation 1058514 (VCV001058514.7), dbSNP rs752323459, ClinGen allele CA1721607.

ClinVar aggregate classification (germline): Uncertain significance (1 of 4 stars; one submission).

Conditions:
Amyotrophic lateral sclerosis type 1 (ALS1). Also called: AMYOTROPHIC LATERAL SCLEROSIS 1, FAMILIAL. Identifiers: Orphanet 803, MedGen C1862939, MONDO:0007103, OMIM 105400.
Perry syndrome. Also called: PARKINSONISM WITH ALVEOLAR HYPOVENTILATION AND MENTAL DEPRESSION. Identifiers: Orphanet 178509, MedGen C1868594, MONDO:0008201, OMIM 168605.
Neuronopathy, distal hereditary motor, type 7B. Also called: Distal Hereditary Motor Neuronopathy Type 7B (dHMN7B); HMN VIIB; LOWER MOTOR NEURON DISEASE, DYNACTIN TYPE; NEURONOPATHY, DISTAL HEREDITARY MOTOR, HARDING TYPE VIIB; NEUROPATHY, DISTAL HEREDITARY MOTOR, HARDING TYPE VIIB; NEUROPATHY, DISTAL HEREDITARY MOTOR, WITH VOCAL CORD PARALYSIS, HARDING TYPE VIIB. Identifiers: Orphanet 139589, MedGen C1843315, MONDO:0011879, OMIM 607641.

Allele frequency attached by ClinVar (database versions not stated): gnomAD exomes below 0.00001; ExAC 0.00001.
gnomAD v4.1: 2 of 1,614,164 alleles (0.00012%); highest among the groups gnomAD compares: Non-Finnish European, 0.00017%; no homozygotes.

Submission:

Labcorp Genetics (formerly Invitae), Labcorp
Classification: Uncertain significance for Amyotrophic lateral sclerosis type 1; Neuronopathy, distal hereditary motor, type 7B; Perry syndrome. Last evaluated: 2023-06-30. Review status: criteria provided, single submitter. Criteria: Invitae Variant Classification Sherloc (09022015). Collection method: clinical testing. Allele origin: germline.
Comment: This sequence change replaces leucine, which is neutral and non-polar, with valine, which is neutral and non-polar, at codon 1059 of the DCTN1 protein (p.Leu1059Val). In summary, the available evidence is currently insufficient to determine the role of this variant in disease. Therefore, it has been classified as a Variant of Uncertain Significance. An algorithm developed to predict the effect of missense changes on protein structure and function (PolyPhen-2) suggests that this variant is likely to be tolerated. ClinVar contains an entry for this variant (Variation ID: 1058514). This variant has not been reported in the literature in individuals affected with DCTN1-related conditions. The frequency data for this variant in the population databases is considered unreliable, as metrics indicate poor data quality at this position in the gnomAD database.